The following is an entry in ClinVar:

ClinVar aggregate classification (germline): Uncertain significance (1 of 4 stars; one submission).

Allele frequency attached by ClinVar (database versions not stated): gnomAD 0.00001; TOPMed 0.00001; ExAC 0.00003; gnomAD exomes 0.00004.
gnomAD v4.1: 56 of 1,613,996 alleles (0.0035%); highest among the groups gnomAD compares: South Asian, 0.041%; 2 homozygotes.

Submission:

Labcorp Genetics (formerly Invitae), Labcorp
Classification: Uncertain significance. Last evaluated: 2026-01-04. Review status: criteria provided, single submitter. Criteria: Invitae Variant Classification Sherloc (09022015). Collection method: clinical testing. Allele origin: germline.
Comment: This sequence change replaces alanine, which is neutral and non-polar, with threonine, which is neutral and polar, at codon 1257 of the POLR1A protein (p.Ala1257Thr). This variant is present in population databases (rs760716048, gnomAD 0.02%). This variant has not been reported in the literature in individuals affected with POLR1A-related conditions. ClinVar contains an entry for this variant (Variation ID: 2420526). Invitae Evidence Modeling of protein sequence and biophysical properties (such as structural, functional, and spatial information, amino acid conservation, physicochemical variation, residue mobility, and thermodynamic stability) indicates that this missense variant is not expected to disrupt POLR1A protein function with a negative predictive value of 80%. In summary, the available evidence is currently insufficient to determine the role of this variant in disease. Therefore, it has been classified as a Variant of Uncertain Significance.

NM_015425.6(POLR1A):c.3769G>A (p.Ala1257Thr)

Genes: POLR1A (RNA polymerase I subunit A; minus strand), LOC106783498 (conserved acetylation island sequence 34 enhancer; plus strand). Cytogenetic location: 2p11.2.
Variant type: single nucleotide variant.
Coding change: c.3769G>A on transcript NM_015425.6 (MANE Select); coding-DNA position 3769, G replaced by A.
Protein change: p.Ala1257Thr; replaces alanine 1257 with threonine.
Molecular consequence: missense variant.
Genome position (GRCh38, 1-based): chr2:86,039,434, C>T on the plus strand (G>A on the coding strand, the complement: POLR1A is on the minus strand). VCF-style: chr2-86039434-C-T. GRCh37 (hg19) VCF-style: chr2-86266557-C-T.
Other names: short protein forms A1257T.
Identifiers: ClinVar variation 2420526 (VCV002420526.6), dbSNP rs760716048, ClinGen allele CA1745682.